The following is an entry in ClinVar:

ClinVar aggregate classification (germline): Uncertain significance (1 of 4 stars; one submission).

gnomAD v4.1: 11 of 1,613,868 alleles (0.00068%); highest among the groups gnomAD compares: South Asian, 0.0099%; no homozygotes.

Submission:

Ambry Genetics
Classification: Uncertain significance. Last evaluated: 2024-11-27. Review status: criteria provided, single submitter. Criteria: Ambry Variant Classification Scheme 2023. Collection method: clinical testing. Allele origin: germline.
Comment: The p.V302A variant (also known as c.905T>C), located in coding exon 1 of the CDK12 gene, results from a T to C substitution at nucleotide position 905. The valine at codon 302 is replaced by alanine, an amino acid with similar properties. This amino acid position is conserved. In addition, this alteration is predicted to be tolerated by in silico analysis. Based on the available evidence, the clinical significance of this variant remains unclear.

NM_016507.4(CDK12):c.905T>C (p.Val302Ala)

Genes: CDK12 (cyclin dependent kinase 12; plus strand), LOC126862553 (CDK7 strongly-dependent group 2 enhancer GRCh37_chr17:37618166-37619365; plus strand). Cytogenetic location: 17q12.
Variant type: single nucleotide variant.
Coding change: c.905T>C on transcript NM_016507.4 (MANE Select); coding-DNA position 905, T replaced by C.
Protein change: p.Val302Ala; replaces valine 302 with alanine.
Molecular consequence: missense variant.
Genome position (GRCh38, 1-based): chr17:39,462,976, T>C. VCF-style: chr17-39462976-T-C. GRCh37 (hg19) VCF-style: chr17-37619229-T-C.
Other names: c.905T>C, p.Val302Ala (NM_015083.4); short protein forms V302A.
Identifiers: ClinVar variation 3489309 (VCV003489309.1).
Genomic context (GRCh38, chr17:39,462,976, plus strand): 5'-CTTCGGCCTACCAGTCCAGCACCCGGTCACCGAGCCCCTACAGTAGGCGACAGAGATCTG[T>C]CAGTCCCTATAGCAGGAGACGGTCGTCCAGCTACGAAAGAAGTGGCTCTTACAGCGGGCG-3'
Protein context (NP_057591.2, residues 292-312): PSPYSRRQRS[Val302Ala]SPYSRRRSSS